The following is an entry in ClinVar:

NM_004006.3(DMD):c.2248T>G (p.Phe750Val)

Gene: DMD (dystrophin; minus strand). Cytogenetic location: Xp21.1.
Variant type: single nucleotide variant.
Coding change: c.2248T>G on transcript NM_004006.3 (MANE Select); coding-DNA position 2248, T replaced by G.
Protein change: p.Phe750Val; replaces phenylalanine 750 with valine.
Molecular consequence: missense variant.
Genome position (GRCh38, 1-based): chrX:32,518,052, A>C on the plus strand (T>G on the coding strand, the complement: DMD is on the minus strand). VCF-style: chrX-32518052-A-C. GRCh37 (hg19) VCF-style: chrX-32536169-A-C.
Other names: c.2224T>G, p.Phe742Val (NM_000109.4); c.2236T>G, p.Phe746Val (NM_004009.3); c.1879T>G, p.Phe627Val (NM_004010.3); short protein forms F627V, F742V, F746V, F750V.
Identifiers: ClinVar variation 4800979 (VCV004800979.1).

ClinVar aggregate classification (germline): Uncertain significance (1 of 4 stars; one submission).

Conditions:
Duchenne muscular dystrophy (DMD). Also called: Duchenne Muscular Dystrophy (DMD); MUSCULAR DYSTROPHY, PSEUDOHYPERTROPHIC PROGRESSIVE, DUCHENNE TYPE. Identifiers: Orphanet 98896, MedGen C0013264, MONDO:0010679, OMIM 310200.

Submission:

Labcorp Genetics (formerly Invitae), Labcorp
Classification: Uncertain significance for Duchenne muscular dystrophy. Last evaluated: 2025-10-15. Review status: criteria provided, single submitter. Criteria: Invitae Variant Classification Sherloc (09022015). Collection method: clinical testing. Allele origin: germline.
Comment: This sequence change replaces phenylalanine, which is neutral and non-polar, with valine, which is neutral and non-polar, at codon 750 of the DMD protein (p.Phe750Val). This variant is not present in population databases (gnomAD no frequency). This variant has not been reported in the literature in individuals affected with DMD-related conditions. Invitae Evidence Modeling of protein sequence and biophysical properties (such as structural, functional, and spatial information, amino acid conservation, physicochemical variation, residue mobility, and thermodynamic stability) indicates that this missense variant is not expected to disrupt DMD protein function with a negative predictive value of 95%. In summary, the available evidence is currently insufficient to determine the role of this variant in disease. Therefore, it has been classified as a Variant of Uncertain Significance.